The following is an entry in ClinVar:

NM_001143831.3(GRM5):c.2500C>T (p.Arg834Cys)

Gene: GRM5 (glutamate metabotropic receptor 5; minus strand). Cytogenetic location: 11q14.2.
Variant type: single nucleotide variant.
Coding change: c.2500C>T on transcript NM_001143831.3 (MANE Select); coding-DNA position 2500, C replaced by T.
Protein change: p.Arg834Cys; replaces arginine 834 with cysteine.
Molecular consequence: missense variant.
Genome position (GRCh38, 1-based): chr11:88,567,183, G>A on the plus strand (C>T on the coding strand, the complement: GRM5 is on the minus strand). VCF-style: chr11-88567183-G-A. GRCh37 (hg19) VCF-style: chr11-88300351-G-A.
Other names: c.2500C>T, p.Arg834Cys (NM_000842.5, NM_001384268.1); short protein forms R834C.
Identifiers: ClinVar variation 3771000 (VCV003771000.13).

ClinVar aggregate classification (germline): Uncertain significance (1 of 4 stars; one submission).

Submission:

CeGaT Center for Human Genetics Tuebingen
Classification: Uncertain significance. Last evaluated: 2024-12-01. Review status: criteria provided, single submitter. Criteria: CeGaT Center For Human Genetics Tuebingen Variant Classification Criteria Version 2. Collection method: clinical testing. Allele origin: germline. Affected: yes. Observed: 1 variant allele.
Comment: GRM5: PP3